The following is an entry in ClinVar:

ClinVar aggregate classification (germline): Uncertain significance. Review status: criteria provided, single submitter (1 of 4 stars). 2 submissions from 2 submitters: Uncertain significance (1). 1 of the submissions does not count toward it. Last evaluated 2019-12-31.

Conditions:
Nemaline myopathy 2 (NEM2). Also called: Nemaline myopathy 2, autosomal recessive. Identifiers: MedGen C1850569, MONDO:0009725, OMIM 256030.

Submissions (2):

Labcorp Genetics (formerly Invitae), Labcorp
Classification: Uncertain significance for Nemaline myopathy 2. Last evaluated: 2019-12-31. Review status: criteria provided, single submitter. Criteria: Invitae Variant Classification Sherloc (09022015). Collection method: clinical testing. Allele origin: germline.
Comment: In summary, the available evidence is currently insufficient to determine the role of this variant in disease. Therefore, it has been classified as a Variant of Uncertain Significance. Algorithms developed to predict the effect of missense changes on protein structure and function are either unavailable or do not agree on the potential impact of this missense change (SIFT: "Deleterious"; PolyPhen-2: "Not Available"; Align-GVGD: "Class C0"). This variant has not been reported in the literature in individuals with NEB-related conditions. This variant is not present in population databases (ExAC no frequency). This sequence change replaces aspartic acid with alanine at codon 2704 of the NEB protein (p.Asp2704Ala). The aspartic acid residue is moderately conserved and there is a moderate physicochemical difference between aspartic acid and alanine.

Natera, Inc.
Classification: Uncertain significance for Nemaline myopathy type 2. Last evaluated: 2021-06-11. Review status: no assertion criteria provided. Collection method: clinical testing. Allele origin: germline. Not counted in ClinVar's aggregate classification.

NM_001164508.2(NEB):c.8111A>C (p.Asp2704Ala)

Gene: NEB (nebulin; minus strand). Cytogenetic location: 2q23.3.
Variant type: single nucleotide variant.
Coding change: c.8111A>C on transcript NM_001164508.2 (MANE Select); coding-DNA position 8111, A replaced by C.
Protein change: p.Asp2704Ala; replaces aspartic acid 2704 with alanine.
Molecular consequence: missense variant.
Genome position (GRCh38, 1-based): chr2:151,643,199, T>G on the plus strand (A>C on the coding strand, the complement: NEB is on the minus strand). VCF-style: chr2-151643199-T-G. GRCh37 (hg19) VCF-style: chr2-152499713-T-G.
Other names: c.8111A>C, p.Asp2704Ala (NM_001164507.2, NM_001271208.2, NM_004543.5); short protein forms D2704A.
Identifiers: ClinVar variation 860784 (VCV000860784.14), dbSNP rs2098907855, ClinGen allele CA348813330.